The following is an entry in ClinVar:

NM_001792.5(CDH2):c.389A>G (p.Glu130Gly)

Gene: CDH2 (cadherin 2; minus strand). Cytogenetic location: 18q12.1.
Variant type: single nucleotide variant.
Coding change: c.389A>G on transcript NM_001792.5 (MANE Select); coding-DNA position 389, A replaced by G.
Protein change: p.Glu130Gly; replaces glutamic acid 130 with glycine.
Molecular consequence: missense variant.
Genome position (GRCh38, 1-based): chr18:28,013,693, T>C on the plus strand (A>G on the coding strand, the complement: CDH2 is on the minus strand). VCF-style: chr18-28013693-T-C. GRCh37 (hg19) VCF-style: chr18-25593657-T-C.
Other names: c.296A>G, p.Glu99Gly (NM_001308176.2); short protein forms E99G, E130G.
Identifiers: ClinVar variation 2039187 (VCV002039187.4), dbSNP rs2510818553, ClinGen allele CA402244102.
Genomic context (GRCh38, chr18:28,013,693, plus strand): 5'-GTATAAAGCTGATTTTTAACCAGCCCTAAAGCCATATTCGGATACTATACCTTCACTGAC[T>C]CCTCAGTTAAGGTTGGCTTCAGGCTCAATTTTACTGCCACTTGCCACTTTTCCTGGGTCT-3'
Protein context (NP_001783.2, residues 120-140): KLSLKPTLTE[Glu130Gly]SVKESAEVEE

ClinVar aggregate classification (germline): Uncertain significance (1 of 4 stars; one submission).

Allele frequency attached by ClinVar (database versions not stated): gnomAD exomes below 0.00001.
gnomAD v4.1: 1 of 1,609,802 alleles (0.000062%); highest among the groups gnomAD compares: East Asian, 0.0022%; no homozygotes.

Submission:

Labcorp Genetics (formerly Invitae), Labcorp
Classification: Uncertain significance. Last evaluated: 2022-11-20. Review status: criteria provided, single submitter. Criteria: Invitae Variant Classification Sherloc (09022015). Collection method: clinical testing. Allele origin: germline.
Comment: In summary, the available evidence is currently insufficient to determine the role of this variant in disease. Therefore, it has been classified as a Variant of Uncertain Significance. Algorithms developed to predict the effect of sequence changes on RNA splicing suggest that this variant may create or strengthen a splice site. Algorithms developed to predict the effect of missense changes on protein structure and function (SIFT, PolyPhen-2, Align-GVGD) all suggest that this variant is likely to be tolerated. This variant has not been reported in the literature in individuals affected with CDH2-related conditions. This variant is not present in population databases (gnomAD no frequency). This sequence change replaces glutamic acid, which is acidic and polar, with glycine, which is neutral and non-polar, at codon 130 of the CDH2 protein (p.Glu130Gly).